The following is an entry in ClinVar:

ClinVar aggregate classification (germline): Uncertain significance. Review status: criteria provided, multiple submitters, no conflicts (2 of 4 stars). 4 submissions from 4 submitters: Uncertain significance (3). 1 of the submissions does not count toward it. Last evaluated 2025-05-11.

Conditions:
Ataxia-telangiectasia syndrome (AT). Also called: Ataxia telangiectasia (A-T); LOUIS-BAR SYNDROME; Cerebello-oculocutaneous telangiectasia; Immunodeficiency with ataxia telangiectasia; Ataxia-telangiectasia, complementation group D; AT, COMPLEMENTATION GROUP C. Identifiers: Orphanet 100, MedGen C0004135, MONDO:0008840, OMIM 208900.
Hereditary cancer-predisposing syndrome. Also called: Hereditary neoplastic syndrome; Neoplastic Syndromes, Hereditary; Tumor predisposition; Hereditary Cancer Syndrome. Identifiers: Orphanet 140162, MedGen C0027672, MeSH D009386, MONDO:0015356.

gnomAD v4.1: 1 of 1,614,022 alleles (0.000062%); highest among the groups gnomAD compares: Admixed American, 0.0017%; no homozygotes.

Submissions (4):

Labcorp Genetics (formerly Invitae), Labcorp
Classification: Uncertain significance for Ataxia-telangiectasia syndrome. Last evaluated: 2025-05-11. Review status: criteria provided, single submitter. Criteria: Invitae Variant Classification Sherloc (09022015). Collection method: clinical testing. Allele origin: germline.
Comment: This sequence change replaces glutamic acid, which is acidic and polar, with glutamine, which is neutral and polar, at codon 688 of the ATM protein (p.Glu688Gln). This variant is not present in population databases (gnomAD no frequency). This variant has not been reported in the literature in individuals affected with ATM-related conditions. ClinVar contains an entry for this variant (Variation ID: 407691). Invitae Evidence Modeling of protein sequence and biophysical properties (such as structural, functional, and spatial information, amino acid conservation, physicochemical variation, residue mobility, and thermodynamic stability) indicates that this missense variant is not expected to disrupt ATM protein function with a negative predictive value of 95%. In summary, the available evidence is currently insufficient to determine the role of this variant in disease. Therefore, it has been classified as a Variant of Uncertain Significance.

Color Diagnostics, LLC DBA Color Health
Classification: Uncertain significance for Hereditary cancer-predisposing syndrome. Last evaluated: 2024-08-27. Review status: criteria provided, single submitter. Criteria: ACMG Guidelines, 2015. Collection method: clinical testing. Allele origin: germline.
Comment: This missense variant replaces glutamic acid with glutamine at codon 688 of the ATM protein. Computational prediction suggests that this variant may not impact protein structure and function. To our knowledge, functional studies have not been reported for this variant. This variant has not been reported in individuals affected with ATM-related disorders in the literature. This variant has not been identified in the general population by the Genome Aggregation Database (gnomAD). The available evidence is insufficient to determine the role of this variant in disease conclusively. Therefore, this variant is classified as a Variant of Uncertain Significance.

Ambry Genetics
Classification: Uncertain significance for Hereditary cancer-predisposing syndrome. Last evaluated: 2023-10-15. Review status: criteria provided, single submitter. Criteria: Ambry Variant Classification Scheme 2023. Collection method: clinical testing. Allele origin: germline.
Comment: The p.E688Q variant (also known as c.2062G>C), located in coding exon 12 of the ATM gene, results from a G to C substitution at nucleotide position 2062. The glutamic acid at codon 688 is replaced by glutamine, an amino acid with highly similar properties. This amino acid position is well conserved in available vertebrate species. In addition, this alteration is predicted to be tolerated by in silico analysis. Since supporting evidence is limited at this time, the clinical significance of this alteration remains unclear.

Natera, Inc.
Classification: Uncertain significance for Ataxia-telangiectasia. Last evaluated: 2021-04-08. Review status: no assertion criteria provided. Collection method: clinical testing. Allele origin: germline. Not counted in ClinVar's aggregate classification.

NM_000051.4(ATM):c.2062G>C (p.Glu688Gln)

Gene: ATM (ATM serine/threonine kinase; plus strand). Cytogenetic location: 11q22.3.
Variant type: single nucleotide variant.
Coding change: c.2062G>C on transcript NM_000051.4 (MANE Select); coding-DNA position 2062, G replaced by C.
Protein change: p.Glu688Gln; replaces glutamic acid 688 with glutamine.
Molecular consequence: missense variant.
Genome position (GRCh38, 1-based): chr11:108,253,977, G>C. VCF-style: chr11-108253977-G-C. GRCh37 (hg19) VCF-style: chr11-108124704-G-C.
Other names: c.2062G>C, p.Glu688Gln (NM_001351834.2); short protein forms E688Q.
Identifiers: ClinVar variation 407691 (VCV000407691.23), dbSNP rs769338089, ClinGen allele CA16613357.